The following is an entry in ClinVar:

ClinVar aggregate classification (germline): Uncertain significance (1 of 4 stars; one submission).

Allele frequency attached by ClinVar (database versions not stated): gnomAD exomes 0.00005; 1000 Genomes Project 0.00020; gnomAD 0.00003; ExAC 0.00008; 1000 Genomes Project 30x 0.00016; TOPMed 0.00004; ESP Exome Variant Server 0.00008.
gnomAD v4.1: 73 of 1,610,894 alleles (0.0045%); highest among the groups gnomAD compares: Non-Finnish European, 0.0058%; 1 homozygote.

Submission:

Labcorp Genetics (formerly Invitae), Labcorp
Classification: Uncertain significance. Last evaluated: 2024-12-31. Review status: criteria provided, single submitter. Criteria: Invitae Variant Classification Sherloc (09022015). Collection method: clinical testing. Allele origin: germline.
Comment: This sequence change replaces threonine, which is neutral and polar, with isoleucine, which is neutral and non-polar, at codon 1462 of the PIK3C2A protein (p.Thr1462Ile). This variant is present in population databases (rs144399985, gnomAD 0.01%), including at least one homozygous and/or hemizygous individual. This variant has not been reported in the literature in individuals affected with PIK3C2A-related conditions. ClinVar contains an entry for this variant (Variation ID: 2076053). Experimental studies and prediction algorithms are not available or were not evaluated, and the functional significance of this variant is currently unknown. In summary, the available evidence is currently insufficient to determine the role of this variant in disease. Therefore, it has been classified as a Variant of Uncertain Significance.

NM_002645.4(PIK3C2A):c.4385C>T (p.Thr1462Ile)

Gene: PIK3C2A (phosphatidylinositol-4-phosphate 3-kinase catalytic subunit type 2 alpha; minus strand). Cytogenetic location: 11p15.1.
Variant type: single nucleotide variant.
Coding change: c.4385C>T on transcript NM_002645.4 (MANE Select); coding-DNA position 4385, C replaced by T.
Protein change: p.Thr1462Ile; replaces threonine 1462 with isoleucine.
Molecular consequence: missense variant.
Genome position (GRCh38, 1-based): chr11:17,094,327, G>A on the plus strand (C>T on the coding strand, the complement: PIK3C2A is on the minus strand). VCF-style: chr11-17094327-G-A. GRCh37 (hg19) VCF-style: chr11-17115874-G-A.
Other names: c.4385C>T, p.Thr1462Ile (NM_001321378.2); c.3245C>T, p.Thr1082Ile (NM_001321380.2); c.4217C>T, p.Thr1406Ile (NM_001386870.1); short protein forms T1406I, T1462I, T1082I.
Identifiers: ClinVar variation 2076053 (VCV002076053.3), dbSNP rs144399985, ClinGen allele CA5900538.